The following is an entry in ClinVar:

NM_001127511.3(APC):c.104_105delinsTT (p.Arg35Leu)

Gene: APC (APC regulator of Wnt signaling pathway; plus strand). Cytogenetic location: 5q22.2.
Variant type: Indel.
Coding change: c.104_105delinsTT on transcript NM_001127511.3; coding-DNA positions 104 to 105, GG replaced by TT.
Protein change: p.Arg35Leu; replaces arginine 35 with leucine.
Molecular consequence: missense variant. On other transcripts: 5 prime UTR variant (8), non-coding transcript variant (1), intron variant (5).
Genome position (GRCh38, 1-based): chr5:112,707,821-112,707,822, GG replaced by TT. VCF-style: chr5-112707821-GG-TT. GRCh37 (hg19) VCF-style: chr5-112043518-GG-TT.
Other names: c.-80_-79delinsTT (NM_001354895.2, NM_001407447.1, NM_001407452.1 and 3 more transcripts); c.104_105delinsTT, p.Arg35Leu (NM_001354897.2, NM_001354902.2, NM_001407446.1); c.-1115_-1114delinsTT (NM_001407470.1, NM_001407472.1); c.-19+172_-19+173delinsTT (NM_001407448.1, NM_001407450.1, NM_001407457.1 and 1 more transcripts); c.-43+172_-43+173delinsTT (NM_001407453.1); short protein forms R35L.
Identifiers: ClinVar variation 2819217 (VCV002819217.3), dbSNP rs2531741287, ClinGen allele CA2739274986.

ClinVar aggregate classification (germline): Uncertain significance (1 of 4 stars; one submission).

Conditions:
Familial adenomatous polyposis 1 (FAP1). Also called: FAMILIAL ADENOMATOUS POLYPOSIS 1, ATTENUATED; POLYPOSIS, ADENOMATOUS INTESTINAL. Identifiers: MedGen C2713442, MONDO:0021056, OMIM 175100. Disease mechanism: loss of function.

Submission:

Labcorp Genetics (formerly Invitae), Labcorp
Classification: Uncertain significance for Familial adenomatous polyposis 1. Last evaluated: 2022-12-07. Review status: criteria provided, single submitter. Criteria: Invitae Variant Classification Sherloc (09022015). Collection method: clinical testing. Allele origin: germline.
Comment: In summary, the available evidence is currently insufficient to determine the role of this variant in disease. Therefore, it has been classified as a Variant of Uncertain Significance. Experimental studies and prediction algorithms are not available or were not evaluated, and the functional significance of this variant is currently unknown. This variant has not been reported in the literature in individuals affected with APC-related conditions. Information on the frequency of this variant in the gnomAD database is not available, as this variant may be reported differently in the database. This variant occurs in a non-coding region of the APC gene. It does not change the encoded amino acid sequence of the APC protein.